The following is an entry in ClinVar:

ClinVar aggregate classification (germline): Uncertain significance (1 of 4 stars; one submission).

Conditions:
Hereditary cancer-predisposing syndrome. Also called: Hereditary Cancer Syndrome; Hereditary neoplastic syndrome; Neoplastic Syndromes, Hereditary; Tumor predisposition. Identifiers: Orphanet 140162, MedGen C0027672, MeSH D009386, MONDO:0015356.

Submission:

Ambry Genetics
Classification: Uncertain significance for Hereditary cancer-predisposing syndrome. Last evaluated: 2020-09-14. Review status: criteria provided, single submitter. Criteria: Ambry Variant Classification Scheme 2023. Collection method: clinical testing. Allele origin: germline.
Comment: The p.N486Y variant (also known as c.1456A>T), located in coding exon 14 of the TSC2 gene, results from an A to T substitution at nucleotide position 1456. The asparagine at codon 486 is replaced by tyrosine, an amino acid with dissimilar properties. This amino acid position is not well conserved in available vertebrate species. In addition, the in silico prediction for this alteration is inconclusive. Since supporting evidence is limited at this time, the clinical significance of this alteration remains unclear.

NM_000548.5(TSC2):c.1456A>T (p.Asn486Tyr)

Gene: TSC2 (TSC complex subunit 2; plus strand). Cytogenetic location: 16p13.3.
Variant type: single nucleotide variant.
Coding change: c.1456A>T on transcript NM_000548.5 (MANE Select); coding-DNA position 1456, A replaced by T.
Protein change: p.Asn486Tyr; replaces asparagine 486 with tyrosine.
Molecular consequence: missense variant.
Genome position (GRCh38, 1-based): chr16:2,064,284, A>T. VCF-style: chr16-2064284-A-T. GRCh37 (hg19) VCF-style: chr16-2114285-A-T.
Other names: c.1456A>T, p.Asn486Tyr (NM_001077183.3, NM_001114382.3, NM_001363528.2 and 6 more transcripts); c.1345A>T, p.Asn449Tyr (NM_001318827.2, NM_001406670.1, NM_001406678.1); c.1309A>T, p.Asn437Tyr (NM_001318829.2, NM_001406675.1, NM_001406676.1 and 1 more transcripts); c.856A>T, p.Asn286Tyr (NM_001318831.2, NM_001406680.1, NM_001406682.1 and 6 more transcripts); c.1489A>T, p.Asn497Tyr (NM_001318832.2); c.1546A>T, p.Asn516Tyr (NM_001406667.1, NM_001406668.1); c.1444A>T, p.Asn482Tyr (NM_001406671.1, NM_001406673.1); c.1399A>T, p.Asn467Tyr (NM_001406677.1); and 3 more; short protein forms N437Y, N497Y, N332Y, N482Y, N486Y, N449Y, N286Y, N38Y.
Identifiers: ClinVar variation 1773056 (VCV001773056.2), dbSNP rs2548569650, ClinGen allele CA394325557.